The following is an entry in ClinVar:

ClinVar aggregate classification (germline): Likely benign. Review status: criteria provided, multiple submitters, no conflicts (2 of 4 stars). 3 submissions from 3 submitters: Likely benign (2). 1 of the submissions does not count toward it. Last evaluated 2025-10-21.

Conditions:
Familial thoracic aortic aneurysm and aortic dissection (TAAD). Also called: Thoracic aortic aneurysms and dissections. Identifiers: Orphanet 91387, MedGen C4707243, MONDO:0019625.
NOTCH1-related disorder. Also called: NOTCH1-related disorders; NOTCH1-related condition.
Adams-Oliver syndrome 5 (AOS5). Identifiers: Orphanet 974, MedGen C4014970, MONDO:0014459, OMIM 616028.

Allele frequency attached by ClinVar (database versions not stated): TOPMed below 0.00001; gnomAD 0.00002.
gnomAD v4.1: 10 of 1,578,930 alleles (0.00063%); highest among the groups gnomAD compares: Non-Finnish European, 0.00086%; no homozygotes.

Submissions (3):

Labcorp Genetics (formerly Invitae), Labcorp
Classification: Likely benign for Adams-Oliver syndrome 5. Last evaluated: 2025-10-21. Review status: criteria provided, single submitter. Criteria: Invitae Variant Classification Sherloc (09022015). Collection method: clinical testing. Allele origin: germline.

Ambry Genetics
Classification: Likely benign for Familial thoracic aortic aneurysm and aortic dissection. Last evaluated: 2025-02-10. Review status: criteria provided, single submitter. Criteria: Ambry Variant Classification Scheme 2023. Collection method: clinical testing. Allele origin: germline.

PreventionGenetics, part of Exact Sciences
Classification: Likely benign for NOTCH1-related condition. Last evaluated: 2024-03-08. Review status: no assertion criteria provided. Collection method: clinical testing. Allele origin: germline. Not counted in ClinVar's aggregate classification.
Comment: This variant is classified as likely benign based on ACMG/AMP sequence variant interpretation guidelines (Richards et al. 2015 PMID: 25741868, with internal and published modifications).

NM_017617.5(NOTCH1):c.81C>T (p.Pro27=)

Gene: NOTCH1 (notch receptor 1; minus strand). Cytogenetic location: 9q34.3.
Variant type: single nucleotide variant.
Coding change: c.81C>T on transcript NM_017617.5 (MANE Select); coding-DNA position 81, C replaced by T.
Protein change: p.Pro27=; no amino-acid change (proline 27 retained).
Molecular consequence: synonymous variant.
Genome position (GRCh38, 1-based): chr9:136,544,083, G>A on the plus strand (C>T on the coding strand, the complement: NOTCH1 is on the minus strand). VCF-style: chr9-136544083-G-A. GRCh37 (hg19) VCF-style: chr9-139438535-G-A.
Other names: c.81C>T (NM_017617.4, NM_017617.3).
Identifiers: ClinVar variation 2161531 (VCV002161531.6), dbSNP rs1293509255, ClinGen allele CA467727225.
Genomic context (GRCh38, chr9:136,544,083, plus strand): 5'-CACGCAGGCCTCCGTGCCATTGGCCGCTTCACACTTCCCGCCATTCAGGCAGGTCTCACC[G>A]GGCTGGGAGCATCGCGGGCCTAGGCAGGGGCAGGAGAAGAGAGGTCAGTCTCACCCGCAC-3'
Protein context (NP_060087.3, residues 17-37): LAARGPRCSQ[Pro27=]GETCLNGGKC